The following is an entry in ClinVar:

NM_000038.6(APC):c.4993C>A (p.Pro1665Thr)

Gene: APC (APC regulator of Wnt signaling pathway; plus strand). Cytogenetic location: 5q22.2.
Variant type: single nucleotide variant.
Coding change: c.4993C>A on transcript NM_000038.6 (MANE Select); coding-DNA position 4993, C replaced by A.
Protein change: p.Pro1665Thr; replaces proline 1665 with threonine.
Molecular consequence: missense variant. On other transcripts: non-coding transcript variant (2).
Genome position (GRCh38, 1-based): chr5:112,840,587, C>A. VCF-style: chr5-112840587-C-A. GRCh37 (hg19) VCF-style: chr5-112176284-C-A.
Other names: c.4993C>A, p.Pro1665Thr (NM_001127510.3, NM_001354895.2, NM_001407450.1); c.4939C>A, p.Pro1647Thr (NM_001127511.3); c.5047C>A, p.Pro1683Thr (NM_001354896.2, NM_001407447.1, NM_001407448.1 and 1 more transcripts); c.5023C>A, p.Pro1675Thr (NM_001354897.2); c.4918C>A, p.Pro1640Thr (NM_001354898.2); c.4909C>A, p.Pro1637Thr (NM_001354899.2); c.4870C>A, p.Pro1624Thr (NM_001354900.2); c.4816C>A, p.Pro1606Thr (NM_001354901.2, NM_001407453.1); and 11 more; short protein forms P1539T, P1574T, P1606T, P1665T, P1675T, P1281T, P1505T, P1582T.
Identifiers: ClinVar variation 2696962 (VCV002696962.3), dbSNP rs1561596883, ClinGen allele CA16032258.

ClinVar aggregate classification (germline): Uncertain significance (1 of 4 stars; one submission).

Conditions:
Familial adenomatous polyposis 1 (FAP1). Also called: FAMILIAL ADENOMATOUS POLYPOSIS 1, ATTENUATED; POLYPOSIS, ADENOMATOUS INTESTINAL. Identifiers: MedGen C2713442, MONDO:0021056, OMIM 175100. Disease mechanism: loss of function.

Submission:

Labcorp Genetics (formerly Invitae), Labcorp
Classification: Uncertain significance for Familial adenomatous polyposis 1. Last evaluated: 2023-11-18. Review status: criteria provided, single submitter. Criteria: Invitae Variant Classification Sherloc (09022015). Collection method: clinical testing. Allele origin: germline.
Comment: This sequence change replaces proline, which is neutral and non-polar, with threonine, which is neutral and polar, at codon 1665 of the APC protein (p.Pro1665Thr). This variant is not present in population databases (gnomAD no frequency). This variant has not been reported in the literature in individuals affected with APC-related conditions. Advanced modeling of protein sequence and biophysical properties (such as structural, functional, and spatial information, amino acid conservation, physicochemical variation, residue mobility, and thermodynamic stability) performed at Invitae indicates that this missense variant is not expected to disrupt APC protein function with a negative predictive value of 95%. In summary, the available evidence is currently insufficient to determine the role of this variant in disease. Therefore, it has been classified as a Variant of Uncertain Significance.